The following is an entry in ClinVar:

ClinVar aggregate classification (germline): Likely pathogenic (1 of 4 stars; one submission).

Allele frequency attached by ClinVar (database versions not stated): gnomAD exomes below 0.00001.
gnomAD v4.1: 1 of 1,610,828 alleles (0.000062%); highest among the groups gnomAD compares: Non-Finnish European, 0.000085%; no homozygotes.

Submission:

CeGaT Center for Human Genetics Tuebingen
Classification: Likely pathogenic. Last evaluated: 2022-12-01. Review status: criteria provided, single submitter. Criteria: CeGaT Center For Human Genetics Tuebingen Variant Classification Criteria Version 2. Collection method: clinical testing. Allele origin: germline. Affected: yes. Observed: 1 variant allele.
Comment: NDUFS1: PM2, PM3, PP3, PP4

NM_005006.7(NDUFS1):c.228G>T (p.Arg76Ser)

Gene: NDUFS1 (NADH:ubiquinone oxidoreductase core subunit S1; minus strand). Cytogenetic location: 2q33.3.
Variant type: single nucleotide variant.
Coding change: c.228G>T on transcript NM_005006.7 (MANE Select); coding-DNA position 228, G replaced by T.
Protein change: p.Arg76Ser; replaces arginine 76 with serine.
Molecular consequence: missense variant. On other transcripts: intron variant (2).
Genome position (GRCh38, 1-based): chr2:206,149,851, C>A on the plus strand (G>T on the coding strand, the complement: NDUFS1 is on the minus strand). VCF-style: chr2-206149851-C-A. GRCh37 (hg19) VCF-style: chr2-207014575-C-A.
Other names: c.57G>T, p.Arg19Ser (NM_001199983.2); c.270G>T, p.Arg90Ser (NM_001199984.2); c.6-2017G>T (NM_001199982.2); c.154-755G>T (NM_001199981.2); short protein forms R19S, R76S, R90S.
Identifiers: ClinVar variation 1879518 (VCV001879518.29), dbSNP rs2470075102, ClinGen allele CA350064060.
Genomic context (GRCh38, chr2:206,149,851, plus strand): 5'-TGGTGTAGAATTTTAGGTATCAAGTACCTTAGGGGCTTTCTCAATTTCAACAAGGCACAT[C>A]CTGCAGTTTCCAGCAACAGACAACCTTTCATGATAACAGAATCGAGGGATCTGCATGCCA-3'
Protein context (NP_004997.4, residues 66-86): HERLSVAGNC[Arg76Ser]MCLVEIEKAP